The following is an entry in ClinVar:

ClinVar aggregate classification (germline): Uncertain significance (1 of 4 stars; one submission).

Submission:

Labcorp Genetics (formerly Invitae), Labcorp
Classification: Uncertain significance. Last evaluated: 2022-06-20. Review status: criteria provided, single submitter. Criteria: Invitae Variant Classification Sherloc (09022015). Collection method: clinical testing. Allele origin: germline.
Comment: In summary, the available evidence is currently insufficient to determine the role of this variant in disease. Therefore, it has been classified as a Variant of Uncertain Significance. Advanced modeling of protein sequence and biophysical properties (such as structural, functional, and spatial information, amino acid conservation, physicochemical variation, residue mobility, and thermodynamic stability) performed at Invitae indicates that this missense variant is not expected to disrupt MAK protein function. This variant has not been reported in the literature in individuals affected with MAK-related conditions. This variant is not present in population databases (gnomAD no frequency). This sequence change replaces phenylalanine with serine at codon 39 of the MAK protein (p.Phe39Ser). The phenylalanine residue is highly conserved and there is a large physicochemical difference between phenylalanine and serine.

NM_001242957.3(MAK):c.116T>C (p.Phe39Ser)

Gene: MAK (male germ cell associated kinase; minus strand). Cytogenetic location: 6p24.2.
Variant type: single nucleotide variant.
Coding change: c.116T>C on transcript NM_001242957.3 (MANE Select); coding-DNA position 116, T replaced by C.
Protein change: p.Phe39Ser; replaces phenylalanine 39 with serine.
Molecular consequence: missense variant. On other transcripts: non-coding transcript variant (2).
Genome position (GRCh38, 1-based): chr6:10,818,926, A>G on the plus strand (T>C on the coding strand, the complement: MAK is on the minus strand). VCF-style: chr6-10818926-A-G. GRCh37 (hg19) VCF-style: chr6-10819159-A-G.
Other names: c.116T>C, p.Phe39Ser (NM_001242385.2, NM_005906.6); c.14T>C, p.Phe5Ser (NM_001377262.1); short protein forms F39S, F5S.
Identifiers: ClinVar variation 1367806 (VCV001367806.5), dbSNP rs2127577724, ClinGen allele CA362721637.